The following is an entry in ClinVar:

NM_002386.4(MC1R):c.137T>G (p.Leu46Arg)

Gene: MC1R (melanocortin 1 receptor; plus strand). Cytogenetic location: 16q24.3.
Variant type: single nucleotide variant.
Coding change: c.137T>G on transcript NM_002386.4 (MANE Select); coding-DNA position 137, T replaced by G.
Protein change: p.Leu46Arg; replaces leucine 46 with arginine.
Molecular consequence: missense variant.
Genome position (GRCh38, 1-based): chr16:89,919,395, T>G. VCF-style: chr16-89919395-T-G. GRCh37 (hg19) VCF-style: chr16-89985803-T-G.
Other names: short protein forms L46R.
Identifiers: ClinVar variation 4550303 (VCV004550303.1).

ClinVar aggregate classification (germline): Uncertain significance (1 of 4 stars; one submission).

Submission:

Ambry Genetics
Classification: Uncertain significance. Last evaluated: 2025-10-19. Review status: criteria provided, single submitter. Criteria: Ambry Variant Classification Scheme 2023. Collection method: clinical testing. Allele origin: germline.
Comment: The p.L46R variant (also known as c.137T>G), located in coding exon 1 of the MC1R gene, results from a T to G substitution at nucleotide position 137. The leucine at codon 46 is replaced by arginine, an amino acid with dissimilar properties. This amino acid position is conserved. In addition, the in silico prediction for this alteration is inconclusive. Based on the available evidence, the clinical significance of this variant remains unclear.